The following is an entry in ClinVar:

NM_017415.3(KLHL3):c.1501C>A (p.Pro501Thr)

Gene: KLHL3 (kelch like family member 3; minus strand). Cytogenetic location: 5q31.2.
Variant type: single nucleotide variant.
Coding change: c.1501C>A on transcript NM_017415.3 (MANE Select); coding-DNA position 1501, C replaced by A.
Protein change: p.Pro501Thr; replaces proline 501 with threonine.
Molecular consequence: missense variant.
Genome position (GRCh38, 1-based): chr5:137,628,387, G>T on the plus strand (C>A on the coding strand, the complement: KLHL3 is on the minus strand). VCF-style: chr5-137628387-G-T. GRCh37 (hg19) VCF-style: chr5-136964076-G-T.
Other names: c.1405C>A, p.Pro469Thr (NM_001257194.1); c.1255C>A, p.Pro419Thr (NM_001257195.2); short protein forms P501T, P469T, P419T.
Identifiers: ClinVar variation 100539 (VCV000100539.3), dbSNP rs199469634, ClinGen allele CA269979.

ClinVar aggregate classification (germline): Pathogenic (0 of 4 stars; one submission).

Conditions:
Pseudohypoaldosteronism type 2A (PHA2A). Also called: GORDON HYPERKALEMIA-HYPERTENSION SYNDROME; HYPERTENSIVE HYPERKALEMIA, FAMILIAL. Identifiers: Orphanet 757, Orphanet 88938, MedGen C1840389, MONDO:0007772, OMIM 145260.

Submission:

Richard Lifton Laboratory, Yale University School of Medicine
Classification: Pathogenic for Pseudohypoaldosteronism, type 2. Review status: no assertion criteria provided. Collection method: not provided. Allele origin: germline.
Comment: dominant;Kelch propeller domain
ClinVar note: Converted during submission from pathogenic to Pathogenic.